The following is an entry in ClinVar:

ClinVar aggregate classification (germline): other (0 of 4 stars; one submission).

Conditions:
Familial colorectal cancer. Identifiers: MedGen CN280943, MONDO:0023113. Disease mechanism: loss of function.

Allele frequency attached by ClinVar (database versions not stated): ExAC 0.00008.

Submission:

Systems Biology Platform Zhejiang California International NanoSystems Institute
Classification: other for Familial colorectal cancer. Review status: no assertion criteria provided. Collection method: not provided. Allele origin: unknown.
ClinVar note: Converted during submission from cancer to other.

NM_000038.6(APC):c.1274A>G (p.Glu425Gly)

Gene: APC (APC regulator of WNT signaling pathway; plus strand). Cytogenetic location: 5q22.2.
Variant type: single nucleotide variant.
Coding change: c.1274A>G on transcript NM_000038.6 (MANE Select); coding-DNA position 1274, A replaced by G.
Protein change: p.Glu425Gly; replaces glutamic acid 425 with glycine.
Molecular consequence: missense variant.
Genome position (GRCh38, 1-based): chr5:112,819,306, A>G. VCF-style: chr5-112819306-A-G. GRCh37 (hg19) VCF-style: chr5-112155003-A-G.
Other names: c.1274A>G, p.Glu425Gly (NM_001127510.3, NM_001354895.2, NM_001354896.2); c.1220A>G, p.Glu407Gly (NM_001127511.3); c.1304A>G, p.Glu435Gly (NM_001354897.2); c.1199A>G, p.Glu400Gly (NM_001354898.2); c.1190A>G, p.Glu397Gly (NM_001354899.2); c.1097A>G, p.Glu366Gly (NM_001354900.2, NM_001354901.2); c.1001A>G, p.Glu334Gly (NM_001354902.2); c.971A>G, p.Glu324Gly (NM_001354903.2); and 3 more; short protein forms E407G, E425G, E299G, E334G, E397G, E142G, E400G, E265G.
Identifiers: ClinVar variation 83125 (VCV000083125.2), dbSNP rs77907679, ClinGen allele CA004117.